The following is an entry in ClinVar:

ClinVar aggregate classification (germline): Uncertain significance. Review status: criteria provided, multiple submitters, no conflicts (2 of 4 stars). 2 submissions from 2 submitters: Uncertain significance (2). Last evaluated 2025-03-05.

Conditions:
Cardiovascular phenotype. Identifiers: MedGen CN230736.
Legius syndrome. Identifiers: Orphanet 137605, MedGen C1969623, MONDO:0012669, OMIM 611431. Disease mechanism: loss of function.

gnomAD v4.1: 2 of 1,613,750 alleles (0.00012%); highest among the groups gnomAD compares: Non-Finnish European, 0.000085%; no homozygotes.

Submissions (2):

Labcorp Genetics (formerly Invitae), Labcorp
Classification: Uncertain significance for Legius syndrome. Last evaluated: 2025-03-05. Review status: criteria provided, single submitter. Criteria: Invitae Variant Classification Sherloc (09022015). Collection method: clinical testing. Allele origin: germline.
Comment: This sequence change replaces glutamic acid, which is acidic and polar, with lysine, which is basic and polar, at codon 242 of the SPRED1 protein (p.Glu242Lys). This variant is not present in population databases (gnomAD no frequency). This variant has not been reported in the literature in individuals affected with SPRED1-related conditions. ClinVar contains an entry for this variant (Variation ID: 3448761). Invitae Evidence Modeling of protein sequence and biophysical properties (such as structural, functional, and spatial information, amino acid conservation, physicochemical variation, residue mobility, and thermodynamic stability) indicates that this missense variant is not expected to disrupt SPRED1 protein function with a negative predictive value of 80%. In summary, the available evidence is currently insufficient to determine the role of this variant in disease. Therefore, it has been classified as a Variant of Uncertain Significance.

Ambry Genetics
Classification: Uncertain significance for Cardiovascular phenotype. Last evaluated: 2024-12-01. Review status: criteria provided, single submitter. Criteria: Ambry Variant Classification Scheme 2023. Collection method: clinical testing. Allele origin: germline.
Comment: The p.E242K variant (also known as c.724G>A), located in coding exon 7 of the SPRED1 gene, results from a G to A substitution at nucleotide position 724. The glutamic acid at codon 242 is replaced by lysine, an amino acid with similar properties. This amino acid position is conserved. In addition, the in silico prediction for this alteration is inconclusive. Based on the available evidence, the clinical significance of this variant remains unclear.

NM_152594.3(SPRED1):c.724G>A (p.Glu242Lys)

Gene: SPRED1 (sprouty related EVH1 domain containing 1; plus strand). Cytogenetic location: 15q14.
Variant type: single nucleotide variant.
Coding change: c.724G>A on transcript NM_152594.3 (MANE Select); coding-DNA position 724, G replaced by A.
Protein change: p.Glu242Lys; replaces glutamic acid 242 with lysine.
Molecular consequence: missense variant.
Genome position (GRCh38, 1-based): chr15:38,351,053, G>A. VCF-style: chr15-38351053-G-A. GRCh37 (hg19) VCF-style: chr15-38643254-G-A.
Other names: short protein forms E242K.
Identifiers: ClinVar variation 3448761 (VCV003448761.2).